The following is an entry in ClinVar:

ClinVar aggregate classification (germline): Uncertain significance (1 of 4 stars; one submission).

Conditions:
Cardiovascular phenotype. Identifiers: MedGen CN230736.

gnomAD v4.1: 1 of 1,614,068 alleles (0.000062%); highest among the groups gnomAD compares: Non-Finnish European, 0.000085%; no homozygotes.

Submission:

Ambry Genetics
Classification: Uncertain significance for Cardiovascular phenotype. Last evaluated: 2025-06-15. Review status: criteria provided, single submitter. Criteria: Ambry Variant Classification Scheme 2023. Collection method: clinical testing. Allele origin: germline.
Comment: The p.V92G variant (also known as c.275T>G), located in coding exon 3 of the MYL3 gene, results from a T to G substitution at nucleotide position 275. The valine at codon 92 is replaced by glycine, an amino acid with dissimilar properties. This amino acid position is conserved. In addition, this alteration is predicted to be deleterious by in silico analysis. Based on the available evidence, the clinical significance of this variant remains unclear.

NM_000258.3(MYL3):c.275T>G (p.Val92Gly)

Gene: MYL3 (myosin light chain 3; minus strand). Cytogenetic location: 3p21.31.
Variant type: single nucleotide variant.
Coding change: c.275T>G on transcript NM_000258.3 (MANE Select); coding-DNA position 275, T replaced by G.
Protein change: p.Val92Gly; replaces valine 92 with glycine.
Molecular consequence: missense variant.
Genome position (GRCh38, 1-based): chr3:46,860,708, A>C on the plus strand (T>G on the coding strand, the complement: MYL3 is on the minus strand). VCF-style: chr3-46860708-A-C. GRCh37 (hg19) VCF-style: chr3-46902198-A-C.
Other names: c.275T>G, p.Val92Gly (NM_001406937.1, NM_001406938.1, NM_001406939.1); c.101T>G, p.Val34Gly (NM_001406940.1, NM_001406941.1); short protein forms V34G, V92G.
Identifiers: ClinVar variation 4115006 (VCV004115006.1).